The following is an entry in ClinVar:

NM_021096.4(CACNA1I):c.4992C>T (p.Phe1664=)

Gene: CACNA1I (calcium voltage-gated channel subunit alpha1 I; plus strand). Cytogenetic location: 22q13.1.
Variant type: single nucleotide variant.
Coding change: c.4992C>T on transcript NM_021096.4 (MANE Select); coding-DNA position 4992, C replaced by T.
Protein change: p.Phe1664=; no amino-acid change (phenylalanine 1664 retained).
Molecular consequence: synonymous variant.
Genome position (GRCh38, 1-based): chr22:39,678,045, C>T. VCF-style: chr22-39678045-C-T. GRCh37 (hg19) VCF-style: chr22-40074050-C-T.
Other names: c.4887C>T, p.Phe1629= (NM_001003406.2).
Identifiers: ClinVar variation 4980478 (VCV004980478.1).
Genomic context (GRCh38, chr22:39,678,045, plus strand): 5'-AGTCTGCAACGACGAGAACCCGTGCGAGGGCATGAGCCGGCATGCCACCTTCGAGAACTT[C>T]GGCATGGCCTTCCTCACACTCTTCCAGGTCTCCACGGGTGACAACTGGAACGGGATCATG-3'
Protein context (NP_066919.2, residues 1654-1674): GMSRHATFEN[Phe1664=]GMAFLTLFQV

ClinVar aggregate classification (germline): Likely benign (1 of 4 stars; one submission).

Conditions:
CACNA1I-related disorder. Also called: CACNA1I-related condition.

gnomAD v4.1: 50 of 1,607,056 alleles (0.0031%); highest among the groups gnomAD compares: Middle Eastern, 0.16%; no homozygotes.

Submission:

PreventionGenetics, part of Exact Sciences
Classification: Likely benign for CACNA1I-related condition. Last evaluated: 2026-06-22. Review status: criteria provided, single submitter. Criteria: ACMG Guidelines, 2015. Collection method: clinical testing. Allele origin: germline.
Comment: This variant is classified as likely benign based on ACMG/AMP sequence variant interpretation guidelines (Richards et al. 2015 PMID: 25741868, with internal and published modifications).